The following is an entry in ClinVar:

NM_207361.6(FREM2):c.6350_6351del (p.Thr2117fs)

Gene: FREM2 (FRAS1 related extracellular matrix 2; plus strand). Cytogenetic location: 13q13.3.
Variant type: Microsatellite.
Coding change: c.6350_6351del on transcript NM_207361.6 (MANE Select); coding-DNA positions 6350 to 6351, 2 bases deleted (CA; older notation c.6350_6351delCA).
Protein change: p.Thr2117fs; shifts the reading frame from threonine 2117.
Molecular consequence: frameshift variant.
Genome position (GRCh38, 1-based): chr13:38,848,641-38,848,642, CA deleted; deleting any 2 consecutive bases within chr13:38,848,639-38,848,642 gives the same sequence; the c. name uses the placement nearest the transcript's 3' end. VCF-style (leftmost placement, unchanged base first): chr13-38848638-CCA-C. GRCh37 (hg19) VCF-style: chr13-39422775-CCA-C.
Other names: short protein forms T2117fs.
Identifiers: ClinVar variation 667374 (VCV000667374.6), dbSNP rs752032044, ClinGen allele CA6955523.

ClinVar aggregate classification (germline): Pathogenic/Likely pathogenic. Review status: criteria provided, multiple submitters, no conflicts (2 of 4 stars). 2 submissions from 2 submitters: Pathogenic (1); Likely pathogenic (1). Last evaluated 2024-02-13.

Conditions:
Fraser syndrome 1 (FRASRS1). Also called: CRYPTOPHTHALMOS WITH OTHER MALFORMATIONS. Identifiers: Orphanet 2052, MedGen C4551480, MONDO:0054737, OMIM 219000.

Submissions (2):

Labcorp Genetics (formerly Invitae), Labcorp
Classification: Pathogenic. Last evaluated: 2024-02-13. Review status: criteria provided, single submitter. Criteria: Invitae Variant Classification Sherloc (09022015). Collection method: clinical testing. Allele origin: germline.
Comment: This sequence change creates a premature translational stop signal (p.Thr2117Serfs*5) in the FREM2 gene. It is expected to result in an absent or disrupted protein product. Loss-of-function variants in FREM2 are known to be pathogenic (PMID: 18203166, 26552811). This variant is present in population databases (rs752032044, gnomAD 0.002%). This variant has not been reported in the literature in individuals affected with FREM2-related conditions. ClinVar contains an entry for this variant (Variation ID: 667374). For these reasons, this variant has been classified as Pathogenic.

Laboratory for Molecular Medicine, Mass General Brigham Personalized Medicine
Classification: Likely pathogenic for Cryptophthalmos syndrome. Last evaluated: 2017-08-21. Review status: criteria provided, single submitter. Criteria: LMM Criteria. Collection method: clinical testing. Allele origin: germline. Inheritance: Autosomal recessive inheritance. Observed: 1 variant allele.
Comment: The p.Thr2117SerfsX5 (NM_207361.4 c.6350_6351delCA) variant in FREM2 has not bee n previously reported in the literature. This variant has been identified in 2/1 11,098 of European chromosomes by the Genome Aggregation Database (gnomAD; dbSNP rs752032044). Although this variant has been seen in the general population, its frequency is low enough to be consistent wit h a recessive carrier frequency. This variant is predicted to cause a frameshift , which alters the protein?s amino acid sequence beginning at position 2117 and leads to a premature termination codon 5 amino acids downstream. This alteration is then predicted to lead to a truncated or absent protein. Biallelic loss of f unction of the FREM2 gene has been associated with Fraser syndrome. In summary, although additional studies are required to fully establish its clinical signifi cance, the p.Thr2117SerfsX5 variant is likely pathogenic for Fraser syndrome in an autosomal recessive manner based on a predicted null effect.

Literature cited by the submitters: PubMed 18203166 (cited by Labcorp Genetics (formerly Invitae), Labcorp); PubMed 26552811 (cited by Labcorp Genetics (formerly Invitae), Labcorp).